The following is an entry in ClinVar:

NM_182961.4(SYNE1):c.24802G>A (p.Glu8268Lys)

Gene: SYNE1 (spectrin repeat containing nuclear envelope protein 1; minus strand). Cytogenetic location: 6q25.2.
Variant type: single nucleotide variant.
Coding change: c.24802G>A on transcript NM_182961.4 (MANE Select); coding-DNA position 24802, G replaced by A.
Protein change: p.Glu8268Lys; replaces glutamic acid 8268 with lysine.
Molecular consequence: missense variant.
Genome position (GRCh38, 1-based): chr6:152,148,219, C>T on the plus strand (G>A on the coding strand, the complement: SYNE1 is on the minus strand). VCF-style: chr6-152148219-C-T. GRCh37 (hg19) VCF-style: chr6-152469354-C-T.
Other names: c.1408G>A, p.Glu470Lys (NM_001347701.2); c.1267G>A, p.Glu423Lys (NM_001347702.2); c.24589G>A, p.Glu8197Lys (NM_033071.5); short protein forms E8197K, E8268K, E470K, E423K.
Identifiers: ClinVar variation 594866 (VCV000594866.11), dbSNP rs527527845, ClinGen allele CA4053067.

ClinVar aggregate classification (germline): Uncertain significance. Review status: criteria provided, multiple submitters, no conflicts (2 of 4 stars). 4 submissions from 4 submitters: Uncertain significance (4). Last evaluated 2022-09-13.

Conditions:
Emery-Dreifuss muscular dystrophy 4, autosomal dominant (EDMD4). Also called: EMERY-DREIFUSS MUSCULAR DYSTROPHY 4 WITH VARIABLE FEATURES. Identifiers: Orphanet 261, MedGen C2751807, MONDO:0013071, OMIM 612998.
Autosomal recessive ataxia, Beauce type. Also called: SYNE1-Related Autosomal Recessive Cerebellar Ataxia; Spinocerebellar ataxia, autosomal recessive 8; ATAXIA, RECESSIVE, OF BEAUCE; SYNE1 Deficiency. Identifiers: Orphanet 88644, MedGen C1853116, MONDO:0012549, OMIM 610743.

Allele frequency attached by ClinVar (database versions not stated): gnomAD 0.00003; gnomAD exomes 0.00003; TOPMed 0.00003; ExAC 0.00004; 1000 Genomes Project 30x 0.00016; 1000 Genomes Project 0.00020.
gnomAD v4.1: 29 of 1,614,110 alleles (0.0018%); highest among the groups gnomAD compares: East Asian, 0.0045%; no homozygotes.

Submissions (4):

Labcorp Genetics (formerly Invitae), Labcorp
Classification: Uncertain significance for Emery-Dreifuss muscular dystrophy 4, autosomal dominant; Autosomal recessive ataxia, Beauce type. Last evaluated: 2022-09-13. Review status: criteria provided, single submitter. Criteria: Invitae Variant Classification Sherloc (09022015). Collection method: clinical testing. Allele origin: germline.
Comment: This sequence change replaces glutamic acid, which is acidic and polar, with lysine, which is basic and polar, at codon 8197 of the SYNE1 protein (p.Glu8197Lys). This variant is present in population databases (rs527527845, gnomAD 0.006%). This variant has not been reported in the literature in individuals affected with SYNE1-related conditions. ClinVar contains an entry for this variant (Variation ID: 594866). Algorithms developed to predict the effect of missense changes on protein structure and function are either unavailable or do not agree on the potential impact of this missense change (SIFT: "Deleterious"; PolyPhen-2: "Possibly Damaging"; Align-GVGD: "Class C0"). In summary, the available evidence is currently insufficient to determine the role of this variant in disease. Therefore, it has been classified as a Variant of Uncertain Significance.

Athena Diagnostics
Classification: Uncertain significance. Last evaluated: 2021-10-11. Review status: criteria provided, single submitter. Criteria: Athena Diagnostics Criteria. Collection method: clinical testing. Allele origin: unknown.

Centre for Mendelian Genomics, University Medical Centre Ljubljana
Classification: Uncertain significance for Autosomal recessive ataxia, Beauce type. Last evaluated: 2019-08-13. Review status: criteria provided, single submitter. Criteria: ACMG Guidelines, 2015. Collection method: clinical testing. Allele origin: unknown. Affected: yes.
Comment: This variant was classified as: Uncertain significance. The available evidence on this variant's pathogenicity is insufficient or conflicting. The following ACMG criteria were applied in classifying this variant: PP3.

Eurofins Ntd Llc (ga)
Classification: Uncertain significance. Last evaluated: 2017-11-10. Review status: criteria provided, single submitter. Criteria: EGL Classification Definitions 2015. Collection method: clinical testing. Allele origin: germline. Observed: 1 variant allele, 1 heterozygote.